The following is an entry in ClinVar:

ClinVar aggregate classification (germline): Pathogenic/Likely pathogenic. Review status: criteria provided, multiple submitters, no conflicts (2 of 4 stars). 5 submissions from 5 submitters: Pathogenic (2); Likely pathogenic (2). 1 of the submissions does not count toward it. Last evaluated 2025-12-18.

Conditions:
MRE11-related disorder. Also called: MRE11-related condition.
Ataxia-telangiectasia-like disorder (ATLD). Identifiers: MedGen C1858391, MONDO:0011457.
Hereditary cancer-predisposing syndrome. Also called: Neoplastic Syndromes, Hereditary; Tumor predisposition; Hereditary Cancer Syndrome; Hereditary neoplastic syndrome. Identifiers: Orphanet 140162, MedGen C0027672, MeSH D009386, MONDO:0015356.
Ataxia-telangiectasia-like disorder 1 (ATLD1). Identifiers: Orphanet 251347, MedGen C4012790, MONDO:0024557, OMIM 604391.
Breast carcinoma. Also called: Carcinoma of breast. Identifiers: MedGen C0678222, MONDO:0004989, HP:0003002.

Allele frequency attached by ClinVar (database versions not stated): gnomAD exomes below 0.00001 and 0.00001; ExAC 0.00001.
gnomAD v4.1: 6 of 1,613,902 alleles (0.00037%); highest among the groups gnomAD compares: Middle Eastern, 0.017%; no homozygotes.

Submissions (5):

PreventionGenetics, part of Exact Sciences
Classification: Likely pathogenic for MRE11-related condition. Last evaluated: 2025-12-18. Review status: criteria provided, single submitter. Criteria: ACMG Guidelines, 2015. Collection method: clinical testing. Allele origin: germline.
Comment: The MRE11 c.1447C>T variant is predicted to result in premature protein termination (p.Arg483*). This variant has not been reported in association with MRE11 related disorders. This variant is reported in 0.0054% of alleles in individuals of East Asian descent in gnomAD. Nonsense variants in MRE11 are expected to be pathogenic. This variant is interpreted as likely pathogenic.

Baylor Genetics
Classification: Likely pathogenic for Ataxia-telangiectasia-like disorder 1. Last evaluated: 2024-02-20. Review status: criteria provided, single submitter. Criteria: ACMG Guidelines, 2015. Collection method: clinical testing. Allele origin: unknown.

Ambry Genetics
Classification: Pathogenic for Hereditary cancer-predisposing syndrome. Last evaluated: 2023-05-19. Review status: criteria provided, single submitter. Criteria: Ambry Variant Classification Scheme 2023. Collection method: clinical testing. Allele origin: germline.
Comment: The p.R483* pathogenic mutation (also known as c.1447C>T), located in coding exon 12 of the MRE11A gene, results from a C to T substitution at nucleotide position 1447. This changes the amino acid from an arginine to a stop codon within coding exon 12. This alteration is expected to result in loss of function by premature protein truncation or nonsense-mediated mRNA decay. As such, this alteration is interpreted as a disease-causing mutation.

Labcorp Genetics (formerly Invitae), Labcorp
Classification: Pathogenic for Ataxia-telangiectasia-like disorder. Last evaluated: 2023-03-02. Review status: criteria provided, single submitter. Criteria: Invitae Variant Classification Sherloc (09022015). Collection method: clinical testing. Allele origin: germline.
Comment: ClinVar contains an entry for this variant (Variation ID: 231449). This sequence change creates a premature translational stop signal (p.Arg483*) in the MRE11 gene. It is expected to result in an absent or disrupted protein product. Loss-of-function variants in MRE11 are known to be pathogenic (PMID: 23080121, 23912341). This variant is present in population databases (rs780001540, gnomAD 0.006%). This variant has not been reported in the literature in individuals affected with MRE11-related conditions. For these reasons, this variant has been classified as Pathogenic.

Medical Genetics Laboratory, Umraniye Training and Research Hospital, University of Health Sciences
Classification: Pathogenic for Breast carcinoma. Last evaluated: 2021-08-10. Review status: no assertion criteria provided. Collection method: clinical testing. Allele origin: germline. Inheritance: Autosomal dominant inheritance. Affected: yes. Observed: 1 variant allele, 1 heterozygote. Not counted in ClinVar's aggregate classification.

Literature cited by the submitters: PubMed 23080121 (cited by Labcorp Genetics (formerly Invitae), Labcorp); PubMed 23912341 (cited by Labcorp Genetics (formerly Invitae), Labcorp).

NM_005591.4(MRE11):c.1447C>T (p.Arg483Ter)

Gene: MRE11 (MRE11 double strand break repair nuclease; minus strand). Cytogenetic location: 11q21.
Variant type: single nucleotide variant.
Coding change: c.1447C>T on transcript NM_005591.4 (MANE Select); coding-DNA position 1447, C replaced by T.
Protein change: p.Arg483Ter; replaces arginine 483 with a stop codon.
Molecular consequence: nonsense.
Genome position (GRCh38, 1-based): chr11:94,459,461, G>A on the plus strand (C>T on the coding strand, the complement: MRE11 is on the minus strand). VCF-style: chr11-94459461-G-A. GRCh37 (hg19) VCF-style: chr11-94192627-G-A.
Other names: c.1447C>T, p.Arg483Ter (NM_001330347.2, NM_005590.4); short protein forms R483*.
Identifiers: ClinVar variation 231449 (VCV000231449.18), dbSNP rs780001540, ClinGen allele CA6235079.
Genomic context (GRCh38, chr11:94,459,461, plus strand): 5'-TACTTACCTCCTCATCGATTTTGTCTTCGAGGGCATCAATATGACGTTCTTTAAGAAATC[G>A]CTGTGTTTTTTCCAACTGGTATTTCACTAATTCCTCAATGGCATCTTTCTCCTCCTTGTC-3'